The following is an entry in ClinVar:

ClinVar aggregate classification (germline): Uncertain significance. Review status: criteria provided, multiple submitters, no conflicts (2 of 4 stars). 3 submissions from 3 submitters: Uncertain significance (3). Last evaluated 2025-08-20.

Conditions:
Dilated cardiomyopathy 1AA (CMD1AA). Also called: CARDIOMYOPATHY, DILATED, 1AA, WITH OR WITHOUT LEFT VENTRICULAR NONCOMPACTION; CARDIOMYOPATHY, FAMILIAL HYPERTROPHIC, 23, WITH OR WITHOUT LEFT VENTRICULAR NONCOMPACTION; Cardiomyopathy, dilated, 1AA, with or without LVNC. Identifiers: Orphanet 154, MedGen C2677338, MONDO:0012808, OMIM 612158.
Primary familial hypertrophic cardiomyopathy (HCM). Identifiers: Orphanet 99739, MedGen C0949658, MeSH D024741, MONDO:0024573. Inheritance: Various modes of inheritance.
Cardiovascular phenotype. Identifiers: MedGen CN230736.

Allele frequency attached by ClinVar (database versions not stated): TOPMed below 0.00001; gnomAD exomes below 0.00001.
gnomAD v4.1: 2 of 1,614,200 alleles (0.00012%); highest among the groups gnomAD compares: Non-Finnish European, 0.000085%; no homozygotes.

Submissions (3):

Ambry Genetics
Classification: Uncertain significance for Cardiovascular phenotype. Last evaluated: 2025-08-20. Review status: criteria provided, single submitter. Criteria: Ambry Variant Classification Scheme 2023. Collection method: clinical testing. Allele origin: germline.
Comment: The p.D693G variant (also known as c.2078A>G), located in coding exon 17 of the ACTN2 gene, results from an A to G substitution at nucleotide position 2078. The aspartic acid at codon 693 is replaced by glycine, an amino acid with similar properties. This amino acid position is conserved. In addition, this alteration is predicted to be deleterious by in silico analysis. Based on the available evidence, the clinical significance of this variant remains unclear.

Labcorp Genetics (formerly Invitae), Labcorp
Classification: Uncertain significance for Primary familial hypertrophic cardiomyopathy; Dilated cardiomyopathy 1AA. Last evaluated: 2025-07-27. Review status: criteria provided, single submitter. Criteria: Invitae Variant Classification Sherloc (09022015). Collection method: clinical testing. Allele origin: germline.
Comment: This sequence change replaces aspartic acid, which is acidic and polar, with glycine, which is neutral and non-polar, at codon 693 of the ACTN2 protein (p.Asp693Gly). This variant is not present in population databases (gnomAD no frequency). This variant has not been reported in the literature in individuals affected with ACTN2-related conditions. ClinVar contains an entry for this variant (Variation ID: 657331). Invitae Evidence Modeling of protein sequence and biophysical properties (such as structural, functional, and spatial information, amino acid conservation, physicochemical variation, residue mobility, and thermodynamic stability) indicates that this missense variant is not expected to disrupt ACTN2 protein function with a negative predictive value of 80%. In summary, the available evidence is currently insufficient to determine the role of this variant in disease. Therefore, it has been classified as a Variant of Uncertain Significance.

Molecular Diagnostic Laboratory for Inherited Cardiovascular Disease, Montreal Heart Institute
Classification: Uncertain significance for Cardiovascular phenotype. Last evaluated: 2025-04-09. Review status: criteria provided, single submitter. Criteria: ACMG Guidelines, 2015. Collection method: clinical testing. Allele origin: germline. Affected: yes.

NM_001103.4(ACTN2):c.2078A>G (p.Asp693Gly)

Gene: ACTN2 (actinin alpha 2; plus strand). Cytogenetic location: 1q43.
Variant type: single nucleotide variant.
Coding change: c.2078A>G on transcript NM_001103.4 (MANE Select); coding-DNA position 2078, A replaced by G.
Protein change: p.Asp693Gly; replaces aspartic acid 693 with glycine.
Molecular consequence: missense variant.
Genome position (GRCh38, 1-based): chr1:236,755,122, A>G. VCF-style: chr1-236755122-A-G. GRCh37 (hg19) VCF-style: chr1-236918422-A-G.
Other names: c.2078A>G, p.Asp693Gly (NM_001278343.2); c.1454A>G, p.Asp485Gly (NM_001278344.2); c.2078A>G (NM_001103.2); short protein forms D485G, D693G.
Identifiers: ClinVar variation 657331 (VCV000657331.13), dbSNP rs1572146545, ClinGen allele CA345387616.